The following is an entry in ClinVar:

ClinVar aggregate classification (germline): Uncertain significance (1 of 4 stars; one submission).

Conditions:
Combined oxidative phosphorylation defect type 21. Also called: Combined oxidative phosphorylation deficiency 21. Identifiers: Orphanet 420733, MedGen C4706316, MONDO:0014398, OMIM 615918.

gnomAD v4.1: 2 of 1,613,710 alleles (0.00012%); highest among the groups gnomAD compares: Non-Finnish European, 0.000085%; no homozygotes.

Submission:

Unidad de Genómica Garrahan, Hospital de Pediatría Garrahan
Classification: Uncertain significance for Combined oxidative phosphorylation defect type 21. Last evaluated: 2023-11-30. Review status: criteria provided, single submitter. Criteria: ACMG Guidelines, 2015. Collection method: clinical testing. Allele origin: germline. Inheritance: Autosomal recessive inheritance. Affected: yes. Observed: 1 variant allele, 1 homozygote.
Comment: A missense variant, NM_025150.5:c.1010C>T, was identified in exon 9 of the TARS2 gene in the homozygous state. This variant results in an amino acid substitution of alanine to valine at position 337 (p.Ala337Val). This variant is present at a very low frequency in population databases (<0.001), in which no homozygous individuals have been reported. The variant is located in close proximity to the ligase domain of the protein; however, in silico prediction tools show discordant results regarding its potential functional impact. Based on the currently available evidence, the clinical significance of this variant remains uncertain. Segregation analysis could not be performed. Criteria: PM2

NM_025150.5(TARS2):c.1010C>T (p.Ala337Val)

Gene: TARS2 (threonyl-tRNA synthetase 2, mitochondrial; plus strand). Cytogenetic location: 1q21.2.
Variant type: single nucleotide variant.
Coding change: c.1010C>T on transcript NM_025150.5 (MANE Select); coding-DNA position 1010, C replaced by T.
Protein change: p.Ala337Val; replaces alanine 337 with valine.
Molecular consequence: missense variant. On other transcripts: non-coding transcript variant (1), intron variant (2).
Genome position (GRCh38, 1-based): chr1:150,496,898, C>T. VCF-style: chr1-150496898-C-T. GRCh37 (hg19) VCF-style: chr1-150469374-C-T.
Other names: c.775-632C>T (NM_001271895.2); c.631-632C>T (NM_001271896.2); short protein forms A337V.
Identifiers: ClinVar variation 4850517 (VCV004850517.1).